The following is an entry in ClinVar:

ClinVar aggregate classification (germline): Uncertain significance (1 of 4 stars; one submission).

Allele frequency attached by ClinVar (database versions not stated): gnomAD exomes below 0.00001; ExAC 0.00001; gnomAD 0.00001; TOPMed 0.00002.
gnomAD v4.1: 6 of 1,613,740 alleles (0.00037%); highest among the groups gnomAD compares: African/African-American, 0.004%; no homozygotes.

Submission:

Ambry Genetics
Classification: Uncertain significance. Last evaluated: 2023-12-30. Review status: criteria provided, single submitter. Criteria: Ambry Variant Classification Scheme 2023. Collection method: clinical testing. Allele origin: germline.
Comment: The p.G379S variant (also known as c.1135G>A), located in coding exon 13 of the NPAT gene, results from a G to A substitution at nucleotide position 1135. The glycine at codon 379 is replaced by serine, an amino acid with similar properties. This amino acid position is conserved. In addition, this alteration is predicted to be tolerated by in silico analysis. Since supporting evidence is limited at this time, the clinical significance of this alteration remains unclear.

NM_002519.3(NPAT):c.1135G>A (p.Gly379Ser)

Gene: NPAT (nuclear protein, coactivator of histone transcription; minus strand). Cytogenetic location: 11q22.3.
Variant type: single nucleotide variant.
Coding change: c.1135G>A on transcript NM_002519.3 (MANE Select); coding-DNA position 1135, G replaced by A.
Protein change: p.Gly379Ser; replaces glycine 379 with serine.
Molecular consequence: missense variant.
Genome position (GRCh38, 1-based): chr11:108,173,849, C>T on the plus strand (G>A on the coding strand, the complement: NPAT is on the minus strand). VCF-style: chr11-108173849-C-T. GRCh37 (hg19) VCF-style: chr11-108044576-C-T.
Other names: c.1135G>A, p.Gly379Ser (NM_001321307.1); short protein forms G379S.
Identifiers: ClinVar variation 1729594 (VCV001729594.2), dbSNP rs765238497, ClinGen allele CA6264055.